The following is an entry in ClinVar:

NM_001025616.3(ARHGAP24):c.553G>A (p.Glu185Lys)

Gene: ARHGAP24 (Rho GTPase activating protein 24; plus strand). Cytogenetic location: 4q21.23.
Variant type: single nucleotide variant.
Coding change: c.553G>A on transcript NM_001025616.3 (MANE Select); coding-DNA position 553, G replaced by A.
Protein change: p.Glu185Lys; replaces glutamic acid 185 with lysine.
Molecular consequence: missense variant. On other transcripts: intron variant (1).
Genome position (GRCh38, 1-based): chr4:85,942,227, G>A. VCF-style: chr4-85942227-G-A. GRCh37 (hg19) VCF-style: chr4-86863380-G-A.
Other names: c.268G>A, p.Glu90Lys (NM_001042669.2); c.298G>A, p.Glu100Lys (NM_001287805.2); c.274G>A, p.Glu92Lys (NM_031305.3); c.20+18457G>A (NM_001346093.2); short protein forms E100K, E185K, E90K, E92K.
Identifiers: ClinVar variation 3764468 (VCV003764468.1).
Genomic context (GRCh38, chr4:85,942,227, plus strand): 5'-CAAAGGGGGCTGAAAGAAGAGGGTCTCTTTCGACTGCCAGGCCAGGCTAATCTTGTTAAG[G>A]AGCTCCAAGATGCCTTTGACTGTGGGGAGAAGCCATCATTTGACAGGTAGATGTCACAAT-3'
Protein context (NP_001020787.2, residues 175-195): RLPGQANLVK[Glu185Lys]LQDAFDCGEK

ClinVar aggregate classification (germline): Uncertain significance (1 of 4 stars; one submission).

gnomAD v4.1: 1 of 1,613,982 alleles (0.000062%); highest among the groups gnomAD compares: Non-Finnish European, 0.000085%; no homozygotes.

Submission:

GeneDx
Classification: Uncertain significance. Last evaluated: 2024-08-21. Review status: criteria provided, single submitter. Criteria: GeneDx Variant Classification Process June 2021. Collection method: clinical testing. Allele origin: germline. Affected: yes.
Comment: Not observed at significant frequency in large population cohorts (gnomAD); In silico analysis supports that this missense variant has a deleterious effect on protein structure/function; Has not been previously published as pathogenic or benign to our knowledge